The following is an entry in ClinVar:

ClinVar aggregate classification (germline): other (0 of 4 stars; one submission).

Conditions:
Familial colorectal cancer. Identifiers: MedGen CN280943, MONDO:0023113. Disease mechanism: loss of function.

Submission:

Systems Biology Platform Zhejiang California International NanoSystems Institute
Classification: other for Familial colorectal cancer. Review status: no assertion criteria provided. Collection method: not provided. Allele origin: unknown.
ClinVar note: Converted during submission from cancer to other.

NM_000038.6(APC):c.646-4504G>T

Gene: APC (APC regulator of WNT signaling pathway; plus strand). Cytogenetic location: 5q22.2.
Variant type: single nucleotide variant.
Coding change: c.646-4504G>T on transcript NM_000038.6 (MANE Select); 4504 bases into the intron before coding-DNA position 646, G replaced by T.
Molecular consequence: intron variant.
Genome position (GRCh38, 1-based): chr5:112,787,942, G>T. VCF-style: chr5-112787942-G-T. GRCh37 (hg19) VCF-style: chr5-112123639-G-T.
Other names: c.646-4504G>T (NM_001354895.2, NM_001127510.3, NM_001354896.2 and 1 more transcripts); c.676-4504G>T (NM_001354897.2, NM_001354902.2); c.675+7039G>T (NM_001127511.3); c.571-4504G>T (NM_001354898.2, NM_001354904.2); c.-390-4504G>T (NM_001354906.2); c.645+7039G>T (NM_001354899.2); c.469-4504G>T (NM_001354900.2, NM_001354901.2, NM_001354905.2).
Identifiers: ClinVar variation 82463 (VCV000082463.2), dbSNP rs78520440, ClinGen allele CA011973.